The following is an entry in ClinVar:

ClinVar aggregate classification (germline): Pathogenic (1 of 4 stars; one submission).

Allele frequency attached by ClinVar (database versions not stated): ESP Exome Variant Server 0.00008; ExAC 0.00002.
gnomAD v4.1: 11 of 1,614,098 alleles (0.00068%); highest among the groups gnomAD compares: Non-Finnish European, 0.00093%; no homozygotes.

Submission:

GeneDx
Classification: Pathogenic. Last evaluated: 2024-12-11. Review status: criteria provided, single submitter. Criteria: GeneDx Variant Classification Process June 2021. Collection method: clinical testing. Allele origin: germline.
Comment: Nonsense variant in the C-terminus predicted to result in protein truncation, as the last 78 amino acids are lost, and other loss-of-function variants have been reported downstream in the Human Gene Mutation Database (HGMD); Not observed at significant frequency in large population cohorts (gnomAD); Has not been previously published as pathogenic or benign to our knowledge

NM_002016.2(FLG):c.11952T>A (p.Tyr3984Ter)

Genes: CCDST (cervical cancer associated DHX9 suppressive transcript; plus strand), FLG (filaggrin; minus strand). Cytogenetic location: 1q21.3.
Variant type: single nucleotide variant.
Coding change: c.11952T>A on transcript NM_002016.2 (MANE Select); coding-DNA position 11952, T replaced by A.
Protein change: p.Tyr3984Ter; replaces tyrosine 3984 with a stop codon.
Molecular consequence: nonsense.
Genome position (GRCh38, 1-based): chr1:152,302,934, A>T on the plus strand (T>A on the coding strand, the complement: FLG is on the minus strand). VCF-style: chr1-152302934-A-T. GRCh37 (hg19) VCF-style: chr1-152275410-A-T.
Other names: short protein forms Y3984*.
Identifiers: ClinVar variation 2500672 (VCV002500672.2), dbSNP rs150644405, ClinGen allele CA1102740.
Genomic context (GRCh38, chr1:152,302,934, plus strand): 5'-ATTGGAATTGTAACTAACACTTCCGTGCTGAGAGTGTCTAAACCCGGATTCACCATAATC[A>T]TAATCTGCACTACCATAGCTGCCATGTCTCCAAACTAAACCTGATTGACCTTTTTGCCTT-3'